The following is an entry in ClinVar:

NM_000535.7(PMS2):c.1546A>G (p.Ser516Gly)

Gene: PMS2 (PMS1 homolog 2, mismatch repair system component; minus strand). Cytogenetic location: 7p22.1.
Variant type: single nucleotide variant.
Coding change: c.1546A>G on transcript NM_000535.7 (MANE Select); coding-DNA position 1546, A replaced by G.
Protein change: p.Ser516Gly; replaces serine 516 with glycine.
Molecular consequence: missense variant. On other transcripts: non-coding transcript variant (1).
Genome position (GRCh38, 1-based): chr7:5,987,219, T>C on the plus strand (A>G on the coding strand, the complement: PMS2 is on the minus strand). VCF-style: chr7-5987219-T-C. GRCh37 (hg19) VCF-style: chr7-6026850-T-C.
Other names: c.1141A>G, p.Ser381Gly (NM_001322003.2, NM_001322004.2, NM_001322005.2 and 1 more transcripts); c.1390A>G, p.Ser464Gly (NM_001322006.2); c.1228A>G, p.Ser410Gly (NM_001322007.2, NM_001322008.2); c.985A>G, p.Ser329Gly (NM_001322010.2); c.613A>G, p.Ser205Gly (NM_001322011.2, NM_001322012.2); c.973A>G, p.Ser325Gly (NM_001322013.2); c.1546A>G, p.Ser516Gly (NM_001322014.2); c.1237A>G, p.Ser413Gly (NM_001322015.2); short protein forms S516G, S329G, S381G, S325G, S410G, S464G, S205G, S413G.
Identifiers: ClinVar variation 455659 (VCV000455659.12), dbSNP rs1554297592, ClinGen allele CA366741618.
Genomic context (GRCh38, chr7:5,987,219, plus strand): 5'-GAGAGTCCACATGTTCCTGCGAGCCCCTGTCCCCTGGGGAGCTGGCCGCATACTCGCTGC[T>C]GCAGTGACTGCCCGTGTCTGGGATGCTGAACCCCTCAGAATCCACGGAAGTGCTGCCGTG-3'
Protein context (NP_000526.2, residues 506-526): FSIPDTGSHC[Ser516Gly]SEYAASSPGD

ClinVar aggregate classification (germline): Conflicting classifications of pathogenicity. Review status: criteria provided, conflicting classifications (1 of 4 stars). 2 submissions from 2 submitters: Uncertain significance (1); Likely benign (1). Last evaluated 2025-03-25.

Conditions:
Hereditary nonpolyposis colorectal neoplasms. Identifiers: MedGen C0009405, MeSH D003123.
Hereditary cancer-predisposing syndrome. Also called: Hereditary Cancer Syndrome; Hereditary neoplastic syndrome; Neoplastic Syndromes, Hereditary; Tumor predisposition. Identifiers: Orphanet 140162, MedGen C0027672, MeSH D009386, MONDO:0015356.

Submissions (2):

Ambry Genetics
Classification: Likely benign for Hereditary cancer-predisposing syndrome. Last evaluated: 2025-03-25. Review status: criteria provided, single submitter. Criteria: Ambry Variant Classification Scheme 2023. Collection method: clinical testing. Allele origin: germline.

Labcorp Genetics (formerly Invitae), Labcorp
Classification: Uncertain significance for Hereditary nonpolyposis colorectal neoplasms. Last evaluated: 2024-11-25. Review status: criteria provided, single submitter. Criteria: Invitae Variant Classification Sherloc (09022015). Collection method: clinical testing. Allele origin: germline.
Comment: This sequence change replaces serine, which is neutral and polar, with glycine, which is neutral and non-polar, at codon 516 of the PMS2 protein (p.Ser516Gly). This variant is not present in population databases (gnomAD no frequency). This variant has not been reported in the literature in individuals affected with PMS2-related conditions. ClinVar contains an entry for this variant (Variation ID: 455659). Invitae Evidence Modeling incorporating data from in vitro experimental studies (internal data) indicates that this missense variant is not expected to disrupt PMS2 function with a negative predictive value of 95%. In summary, the available evidence is currently insufficient to determine the role of this variant in disease. Therefore, it has been classified as a Variant of Uncertain Significance.